The following is an entry in ClinVar:

NM_005826.5(HNRNPR):c.381C>G (p.Ile127Met)

Gene: HNRNPR (heterogeneous nuclear ribonucleoprotein R; minus strand). Cytogenetic location: 1p36.12.
Variant type: single nucleotide variant.
Coding change: c.381C>G on transcript NM_005826.5 (MANE Select); coding-DNA position 381, C replaced by G.
Protein change: p.Ile127Met; replaces isoleucine 127 with methionine.
Molecular consequence: missense variant.
Genome position (GRCh38, 1-based): chr1:23,337,757, G>C on the plus strand (C>G on the coding strand, the complement: HNRNPR is on the minus strand). VCF-style: chr1-23337757-G-C. GRCh37 (hg19) VCF-style: chr1-23664250-G-C.
Other names: c.78C>G, p.Ile26Met (NM_001102397.3, NM_001102399.3, NM_001297621.2 and 1 more transcripts); c.381C>G, p.Ile127Met (NM_001102398.3, NM_001297620.2); short protein forms I127M, I26M.
Identifiers: ClinVar variation 1310745 (VCV001310745.2), dbSNP rs1646557360, ClinGen allele CA338971538.

ClinVar aggregate classification (germline): Uncertain significance (1 of 4 stars; one submission).

Allele frequency attached by ClinVar (database versions not stated): TOPMed below 0.00001.
gnomAD v4.1: 1 of 1,597,772 alleles (0.000063%); highest among the groups gnomAD compares: Non-Finnish European, 0.000086%; no homozygotes.

Submission:

GeneDx
Classification: Uncertain significance. Last evaluated: 2019-11-30. Review status: criteria provided, single submitter. Criteria: GeneDx Variant Classification Process June 2021. Collection method: clinical testing. Allele origin: germline. Affected: yes.
Comment: Not observed in large population cohorts (Lek et al., 2016); In silico analysis, which includes protein predictors and evolutionary conservation, supports a deleterious effect; Has not been previously published as pathogenic or benign to our knowledge